The following is an entry in ClinVar:

NM_006567.5(FARS2):c.619G>T (p.Ala207Ser)

Gene: FARS2 (phenylalanyl-tRNA synthetase 2, mitochondrial; plus strand). Cytogenetic location: 6p25.1.
Variant type: single nucleotide variant.
Coding change: c.619G>T on transcript NM_006567.5 (MANE Select); coding-DNA position 619, G replaced by T.
Protein change: p.Ala207Ser; replaces alanine 207 with serine.
Molecular consequence: missense variant. On other transcripts: 5 prime UTR variant (2).
Genome position (GRCh38, 1-based): chr6:5,404,548, G>T. VCF-style: chr6-5404548-G-T. GRCh37 (hg19) VCF-style: chr6-5404781-G-T.
Other names: c.619G>T, p.Ala207Ser (NM_001318872.2, NM_001374875.1, NM_001374876.1 and 5 more transcripts); c.-78G>T (NM_001375259.1, NM_001375260.1); short protein forms A207S.
Identifiers: ClinVar variation 1993204 (VCV001993204.4), dbSNP rs758640166, ClinGen allele CA3623699.

ClinVar aggregate classification (germline): Uncertain significance (1 of 4 stars; one submission).

Conditions:
Combined oxidative phosphorylation defect type 14. Also called: Combined oxidative phosphorylation deficiency 14. Identifiers: Orphanet 319519, MedGen C4755312, MONDO:0013986, OMIM 614946.

Allele frequency attached by ClinVar (database versions not stated): ExAC 0.00001.

Submission:

Labcorp Genetics (formerly Invitae), Labcorp
Classification: Uncertain significance for Combined oxidative phosphorylation defect type 14. Last evaluated: 2023-04-14. Review status: criteria provided, single submitter. Criteria: Invitae Variant Classification Sherloc (09022015). Collection method: clinical testing. Allele origin: germline.
Comment: Advanced modeling of protein sequence and biophysical properties (such as structural, functional, and spatial information, amino acid conservation, physicochemical variation, residue mobility, and thermodynamic stability) performed at Invitae indicates that this missense variant is not expected to disrupt FARS2 protein function. ClinVar contains an entry for this variant (Variation ID: 1993204). This variant has not been reported in the literature in individuals affected with FARS2-related conditions. This variant is present in population databases (rs758640166, gnomAD 0.0009%). This sequence change replaces alanine, which is neutral and non-polar, with serine, which is neutral and polar, at codon 207 of the FARS2 protein (p.Ala207Ser). Algorithms developed to predict the effect of sequence changes on RNA splicing suggest that this variant may create or strengthen a splice site. In summary, the available evidence is currently insufficient to determine the role of this variant in disease. Therefore, it has been classified as a Variant of Uncertain Significance.